The following is an entry in ClinVar:

NM_001122659.3(EDNRB):c.1139G>C (p.Cys380Ser)

Genes: EDNRB (endothelin receptor type B; minus strand), EDNRB-AS1 (EDNRB antisense RNA 1; plus strand). Cytogenetic location: 13q22.3.
Variant type: single nucleotide variant.
Coding change: c.1139G>C on transcript NM_001122659.3 (MANE Select); coding-DNA position 1139, G replaced by C.
Protein change: p.Cys380Ser; replaces cysteine 380 with serine.
Molecular consequence: missense variant.
Genome position (GRCh38, 1-based): chr13:77,899,914, C>G on the plus strand (G>C on the coding strand, the complement: EDNRB is on the minus strand). VCF-style: chr13-77899914-C-G. GRCh37 (hg19) VCF-style: chr13-78474049-C-G.
Other names: c.1139G>C, p.Cys380Ser (NM_000115.5, NM_003991.4); c.1409G>C, p.Cys470Ser (NM_001201397.2); short protein forms C380S, C470S.
Identifiers: ClinVar variation 312470 (VCV000312470.12), dbSNP rs200939685, ClinGen allele CA7012178.

ClinVar aggregate classification (germline): Uncertain significance. Review status: criteria provided, multiple submitters, no conflicts (2 of 4 stars). 4 submissions from 4 submitters: Uncertain significance (4). Last evaluated 2025-08-28.

Conditions:
Inborn genetic diseases. Identifiers: MedGen C0950123, MeSH D030342.
Hirschsprung disease, susceptibility to, 2. Identifiers: Orphanet 388, MedGen C1838564, MONDO:0010833, OMIM 600155.

Allele frequency attached by ClinVar (database versions not stated): ExAC 0.00001; TOPMed 0.00001; gnomAD 0.00002; gnomAD exomes 0.00002.
gnomAD v4.1: 37 of 1,611,830 alleles (0.0023%); highest among the groups gnomAD compares: Non-Finnish European, 0.0031%; no homozygotes.

Submissions (4):

Ambry Genetics
Classification: Uncertain significance for Inborn genetic diseases. Last evaluated: 2025-08-28. Review status: criteria provided, single submitter. Criteria: Ambry Variant Classification Scheme 2023. Collection method: clinical testing. Allele origin: germline.

Labcorp Genetics (formerly Invitae), Labcorp
Classification: Uncertain significance. Last evaluated: 2025-03-31. Review status: criteria provided, single submitter. Criteria: Invitae Variant Classification Sherloc (09022015). Collection method: clinical testing. Allele origin: germline.
Comment: This sequence change replaces cysteine, which is neutral and slightly polar, with serine, which is neutral and polar, at codon 380 of the EDNRB protein (p.Cys380Ser). This variant is present in population databases (rs200939685, gnomAD 0.003%). This variant has not been reported in the literature in individuals affected with EDNRB-related conditions. ClinVar contains an entry for this variant (Variation ID: 312470). Invitae Evidence Modeling of protein sequence and biophysical properties (such as structural, functional, and spatial information, amino acid conservation, physicochemical variation, residue mobility, and thermodynamic stability) indicates that this missense variant is not expected to disrupt EDNRB protein function with a negative predictive value of 80%. In summary, the available evidence is currently insufficient to determine the role of this variant in disease. Therefore, it has been classified as a Variant of Uncertain Significance.

GeneDx
Classification: Uncertain significance. Last evaluated: 2025-03-01. Review status: criteria provided, single submitter. Criteria: GeneDx Variant Classification Process June 2021. Collection method: clinical testing. Allele origin: germline. Affected: yes.
Comment: In silico analysis supports that this missense variant has a deleterious effect on protein structure/function; Has not been previously published as pathogenic or benign to our knowledge

Illumina Laboratory Services, Illumina
Classification: Uncertain significance for Hirschsprung disease, susceptibility to, 2. Last evaluated: 2018-01-12. Review status: criteria provided, single submitter. Criteria: ICSL Variant Classification Criteria 13 December 2019. Collection method: clinical testing. Allele origin: germline.